The following is an entry in ClinVar:

ClinVar aggregate classification (germline): Uncertain significance (1 of 4 stars; one submission).

Allele frequency attached by ClinVar (database versions not stated): gnomAD 0.00001; TOPMed below 0.00001.

Submission:

GeneDx
Classification: Uncertain significance. Last evaluated: 2017-04-11. Review status: criteria provided, single submitter. Criteria: GeneDx Variant Classification (06012015). Collection method: clinical testing. Allele origin: germline. Affected: yes.
Comment: A variant of uncertain significance has been identified in the MYH7 gene. The L24V variant has not been published as pathogenic or been reported as benign to our knowledge. Additionally, this variant is not observed in large population cohorts (Lek et al., 2016; 1000 Genomes Consortium et al., 2015; Exome Variant Server). This substitution occurs at a position where only amino acids with similar properties to leucine (L) are tolerated across species. However, L24V is a conservative amino acid substitution, which is not likely to impact secondary protein structure as these residues share similar properties. Furthemore, in silico analysis is inconsistent in its predictions as to whether or not the variant is damaging to the protein structure/function.

NM_000257.4(MYH7):c.70C>G (p.Leu24Val)

Gene: MYH7 (myosin heavy chain 7; minus strand). Cytogenetic location: 14q11.2.
Variant type: single nucleotide variant.
Coding change: c.70C>G on transcript NM_000257.4 (MANE Select); coding-DNA position 70, C replaced by G.
Protein change: p.Leu24Val; replaces leucine 24 with valine.
Molecular consequence: missense variant.
Genome position (GRCh38, 1-based): chr14:23,433,663, G>C on the plus strand (C>G on the coding strand, the complement: MYH7 is on the minus strand). VCF-style: chr14-23433663-G-C. GRCh37 (hg19) VCF-style: chr14-23902872-G-C.
Other names: c.70C>G (LRG_384t1); short protein forms L24V.
Identifiers: ClinVar variation 426607 (VCV000426607.2), dbSNP rs1085307708, ClinGen allele CA389054021.